The following is an entry in ClinVar:

ClinVar aggregate classification (germline): Pathogenic (1 of 4 stars; one submission).

Conditions:
Breast-ovarian cancer, familial, susceptibility to, 2 (BROVCA2). Also called: BRCA2 Hereditary Breast and Ovarian Cancer. Identifiers: Orphanet 145, MedGen C2675520, MONDO:0012933, OMIM 612555. Disease mechanism: loss of function.

Submission:

Myriad Genetics, Inc.
Classification: Pathogenic for Breast-ovarian cancer, familial, susceptibility to, 2. Last evaluated: 2023-06-27. Review status: criteria provided, single submitter. Criteria: Myriad Autosomal Dominant, Autosomal Recessive and X-Linked Classification Criteria (2023). Collection method: clinical testing. Allele origin: unknown.
Comment: This variant is considered pathogenic. This variant creates a frameshift predicted to result in premature protein truncation.

NM_000059.4(BRCA2):c.1587_1591del (p.Phe529fs)

Gene: BRCA2 (BRCA2 DNA repair associated; plus strand). Cytogenetic location: 13q13.1.
Variant type: Deletion.
Coding change: c.1587_1591del on transcript NM_000059.4 (MANE Select); coding-DNA positions 1587 to 1591, 5 bases deleted (TAAAA; older notation c.1587_1591delTAAAA).
Protein change: p.Phe529fs; shifts the reading frame from phenylalanine 529.
Molecular consequence: frameshift variant. On other transcripts: non-coding transcript variant (1), intron variant (1).
Genome position (GRCh38, 1-based): chr13:32,333,065-32,333,069, TAAAA deleted. VCF-style (leftmost placement, unchanged base first): chr13-32333064-TTAAAA-T. GRCh37 (hg19) VCF-style: chr13-32907201-TTAAAA-T.
Other names: c.1587_1591del, p.Phe529fs (NM_001406719.1, NM_001406720.1, NM_001406721.1); c.424+2035_424+2039del (NM_001406722.1); short protein forms F529fs.
Identifiers: ClinVar variation 2583856 (VCV002583856.2), dbSNP rs2548520580, ClinGen allele CA2582341838.